The following is an entry in ClinVar:

ClinVar aggregate classification (germline): Uncertain significance (1 of 4 stars; one submission).

Allele frequency attached by ClinVar (database versions not stated): TOPMed below 0.00001; ExAC 0.00001; gnomAD exomes 0.00001 and 0.00002.
gnomAD v4.1: 17 of 1,613,876 alleles (0.0011%); highest among the groups gnomAD compares: Middle Eastern, 0.016%; no homozygotes.

Submission:

Labcorp Genetics (formerly Invitae), Labcorp
Classification: Uncertain significance. Last evaluated: 2022-04-29. Review status: criteria provided, single submitter. Criteria: Invitae Variant Classification Sherloc (09022015). Collection method: clinical testing. Allele origin: germline.
Comment: In summary, the available evidence is currently insufficient to determine the role of this variant in disease. Therefore, it has been classified as a Variant of Uncertain Significance. Algorithms developed to predict the effect of missense changes on protein structure and function output the following: SIFT: "Tolerated"; PolyPhen-2: "Benign"; Align-GVGD: "Class C0". The leucine amino acid residue is found in multiple mammalian species, which suggests that this missense change does not adversely affect protein function. This variant has not been reported in the literature in individuals affected with ARHGEF18-related conditions. This variant is present in population databases (rs771589545, gnomAD 0.003%). This sequence change replaces proline, which is neutral and non-polar, with leucine, which is neutral and non-polar, at codon 665 of the ARHGEF18 protein (p.Pro665Leu).

NM_001367823.1(ARHGEF18):c.2558C>T (p.Pro853Leu)

Gene: ARHGEF18 (Rho/Rac guanine nucleotide exchange factor 18; plus strand). Cytogenetic location: 19p13.2.
Variant type: single nucleotide variant.
Coding change: c.2558C>T on transcript NM_001367823.1 (MANE Select); coding-DNA position 2558, C replaced by T.
Protein change: p.Pro853Leu; replaces proline 853 with leucine.
Molecular consequence: missense variant.
Genome position (GRCh38, 1-based): chr19:7,462,257, C>T. VCF-style: chr19-7462257-C-T. GRCh37 (hg19) VCF-style: chr19-7527143-C-T.
Other names: c.1832C>T, p.Pro611Leu (NM_001130955.2); c.1520C>T, p.Pro507Leu (NM_001367824.1, NM_015318.4); short protein forms P507L, P611L, P853L.
Identifiers: ClinVar variation 1346227 (VCV001346227.5), dbSNP rs771589545, ClinGen allele CA9136901.